The following is an entry in ClinVar:

ClinVar aggregate classification (germline): Uncertain significance (1 of 4 stars; one submission).

Conditions:
Hypertrophic cardiomyopathy. Also called: HYPERTROPHIC MYOCARDIOPATHY. Identifiers: Orphanet 217569, MedGen C0007194, MeSH D002312, MONDO:0005045, HP:0001639.

gnomAD v4.1: 4 of 1,613,964 alleles (0.00025%); highest among the groups gnomAD compares: Non-Finnish European, 0.00034%; no homozygotes.

Submission:

Labcorp Genetics (formerly Invitae), Labcorp
Classification: Uncertain significance for Hypertrophic cardiomyopathy. Last evaluated: 2025-02-12. Review status: criteria provided, single submitter. Criteria: Invitae Variant Classification Sherloc (09022015). Collection method: clinical testing. Allele origin: germline.
Comment: This sequence change replaces isoleucine, which is neutral and non-polar, with valine, which is neutral and non-polar, at codon 581 of the MYOM1 protein (p.Ile581Val). This variant is not present in population databases (gnomAD no frequency). This variant has not been reported in the literature in individuals affected with MYOM1-related conditions. Invitae Evidence Modeling of protein sequence and biophysical properties (such as structural, functional, and spatial information, amino acid conservation, physicochemical variation, residue mobility, and thermodynamic stability) indicates that this missense variant is not expected to disrupt MYOM1 protein function with a negative predictive value of 80%. In summary, the available evidence is currently insufficient to determine the role of this variant in disease. Therefore, it has been classified as a Variant of Uncertain Significance.

NM_003803.4(MYOM1):c.1741A>G (p.Ile581Val)

Gene: MYOM1 (myomesin 1; minus strand). Cytogenetic location: 18p11.31.
Variant type: single nucleotide variant.
Coding change: c.1741A>G on transcript NM_003803.4 (MANE Select); coding-DNA position 1741, A replaced by G.
Protein change: p.Ile581Val; replaces isoleucine 581 with valine.
Molecular consequence: missense variant.
Genome position (GRCh38, 1-based): chr18:3,151,796, T>C on the plus strand (A>G on the coding strand, the complement: MYOM1 is on the minus strand). VCF-style: chr18-3151796-T-C. GRCh37 (hg19) VCF-style: chr18-3151794-T-C.
Other names: c.1741A>G, p.Ile581Val (NM_019856.2); short protein forms I581V.
Identifiers: ClinVar variation 4779762 (VCV004779762.1).